The following is an entry in ClinVar:

NM_000455.5(STK11):c.789G>A (p.Leu263=)

Gene: STK11 (serine/threonine kinase 11; plus strand). Cytogenetic location: 19p13.3.
Variant type: single nucleotide variant.
Coding change: c.789G>A on transcript NM_000455.5 (MANE Select); coding-DNA position 789, G replaced by A.
Protein change: p.Leu263=; no amino-acid change (leucine 263 retained).
Molecular consequence: synonymous variant.
Genome position (GRCh38, 1-based): chr19:1,221,267, G>A. VCF-style: chr19-1221267-G-A. GRCh37 (hg19) VCF-style: chr19-1221266-G-A.
Identifiers: ClinVar variation 515978 (VCV000515978.12), dbSNP rs1555738654, ClinGen allele CA504707149.

ClinVar aggregate classification (germline): Benign/Likely benign. Review status: criteria provided, multiple submitters, no conflicts (2 of 4 stars). 4 submissions from 4 submitters: Benign (1); Likely benign (3). Last evaluated 2025-03-27.

Conditions:
Hereditary cancer-predisposing syndrome. Also called: Neoplastic Syndromes, Hereditary; Tumor predisposition; Hereditary Cancer Syndrome; Hereditary neoplastic syndrome. Identifiers: Orphanet 140162, MedGen C0027672, MeSH D009386, MONDO:0015356.
Peutz-Jeghers syndrome (PJS). Also called: Peutz-Jeghers polyposis; Periorificial lentiginosis syndrome; POLYPOSIS, HAMARTOMATOUS INTESTINAL; POLYPS-AND-SPOTS SYNDROME. Identifiers: Orphanet 2869, MedGen C0031269, MeSH D010580, MONDO:0008280, OMIM 175200.

Allele frequency attached by ClinVar (database versions not stated): gnomAD exomes 0.00001.
gnomAD v4.1: 10 of 1,612,386 alleles (0.00062%); highest among the groups gnomAD compares: Non-Finnish European, 0.00085%; no homozygotes.

Submissions (4):

Myriad Genetics, Inc.
Classification: Benign for Peutz-Jeghers syndrome. Last evaluated: 2025-03-27. Review status: criteria provided, single submitter. Criteria: Myriad Autosomal Dominant, Autosomal Recessive and X-Linked Classification Criteria (2023). Collection method: clinical testing. Allele origin: unknown.
Comment: This variant is considered benign. This variant is a silent/synonymous amino acid change and it is not expected to impact splicing.

Labcorp Genetics (formerly Invitae), Labcorp
Classification: Likely benign for Peutz-Jeghers syndrome. Last evaluated: 2025-02-06. Review status: criteria provided, single submitter. Criteria: Invitae Variant Classification Sherloc (09022015). Collection method: clinical testing. Allele origin: germline.

Ambry Genetics
Classification: Likely benign for Hereditary cancer-predisposing syndrome. Last evaluated: 2022-10-12. Review status: criteria provided, single submitter. Criteria: Ambry Variant Classification Scheme 2023. Collection method: clinical testing. Allele origin: germline.

GeneDx
Classification: Likely benign. Last evaluated: 2018-03-06. Review status: criteria provided, single submitter. Criteria: GeneDx Variant Classification (06012015). Collection method: clinical testing. Allele origin: germline. Affected: yes.
Comment: This variant is considered likely benign or benign based on one or more of the following criteria: it is a conservative change, it occurs at a poorly conserved position in the protein, it is predicted to be benign by multiple in silico algorithms, and/or has population frequency not consistent with disease.